The following is an entry in ClinVar:

NM_015272.5(RPGRIP1L):c.950_951del (p.Leu317fs)

Gene: RPGRIP1L (RPGRIP1 like; minus strand). Cytogenetic location: 16q12.2.
Variant type: Deletion.
Coding change: c.950_951del on transcript NM_015272.5 (MANE Select); coding-DNA positions 950 to 951, 2 bases deleted (TT; older notation c.950_951delTT).
Protein change: p.Leu317fs; shifts the reading frame from leucine 317.
Molecular consequence: frameshift variant.
Genome position (GRCh38, 1-based): chr16:53,672,948-53,672,949, AA deleted on the plus strand (TT on the coding strand, the reverse complement: RPGRIP1L is on the minus strand). VCF-style (leftmost placement, unchanged base first): chr16-53672947-TAA-T. GRCh37 (hg19) VCF-style: chr16-53706859-TAA-T.
Other names: c.950_951del, p.Leu317fs (NM_001127897.4, NM_001308334.3, NM_001330538.2); short protein forms L317fs.
Identifiers: ClinVar variation 1459927 (VCV001459927.6), dbSNP rs2151245549, ClinGen allele CA2573152336.

ClinVar aggregate classification (germline): Pathogenic (1 of 4 stars; one submission).

Conditions:
Meckel-Gruber syndrome. Also called: DYSENCEPHALIA SPLANCHNOCYSTICA; GRUBER SYNDROME; Dysencephalia splachnocystica. Identifiers: Orphanet 564, MedGen C0265215, MONDO:0018921.
Joubert syndrome. Also called: CEREBELLOPARENCHYMAL DISORDER IV; JOUBERT-BOLTSHAUSER SYNDROME; Familial aplasia of the vermis. Identifiers: Orphanet 475, MedGen C5979921, MONDO:0018772.

Submission:

Labcorp Genetics (formerly Invitae), Labcorp
Classification: Pathogenic for Joubert syndrome; Meckel-Gruber syndrome. Last evaluated: 2021-01-21. Review status: criteria provided, single submitter. Criteria: Invitae Variant Classification Sherloc (09022015). Collection method: clinical testing. Allele origin: germline.
Comment: For these reasons, this variant has been classified as Pathogenic. This variant has not been reported in the literature in individuals with RPGRIP1L-related conditions. This variant is not present in population databases (ExAC no frequency). This sequence change creates a premature translational stop signal (p.Leu317Glnfs*11) in the RPGRIP1L gene. It is expected to result in an absent or disrupted protein product. Loss-of-function variants in RPGRIP1L are known to be pathogenic (PMID: 17558409).

Literature cited by the submitters: PubMed 17558409.